The following is an entry in ClinVar:

NM_007294.4(BRCA1):c.2679G>A (p.Lys893=)

Gene: BRCA1 (BRCA1 DNA repair associated; minus strand). Cytogenetic location: 17q21.31.
Variant type: single nucleotide variant.
Coding change: c.2679G>A on transcript NM_007294.4 (MANE Select); coding-DNA position 2679, G replaced by A.
Protein change: p.Lys893=; no amino-acid change (lysine 893 retained).
Molecular consequence: synonymous variant. On other transcripts: intron variant (137).
Genome position (GRCh38, 1-based): chr17:43,092,852, C>T on the plus strand (G>A on the coding strand, the complement: BRCA1 is on the minus strand). VCF-style: chr17-43092852-C-T. GRCh37 (hg19) VCF-style: chr17-41244869-C-T.
Other names: c.2535G>A, p.Lys845= (NM_001407744.1, NM_001407745.1, NM_001407746.1 and 20 more transcripts); c.2538G>A, p.Lys846= (NM_001407750.1, NM_001407751.1, NM_001407752.1 and 29 more transcripts); c.2466G>A, p.Lys822= (NM_001407853.1, NM_001407894.1, NM_001407895.1 and 9 more transcripts); c.2679G>A, p.Lys893= (NM_001407854.1, NM_001407858.1, NM_001407859.1 and 30 more transcripts); c.2676G>A, p.Lys892= (NM_001407860.1, NM_001407861.1, NM_001407587.1 and 22 more transcripts); c.2478G>A, p.Lys826= (NM_001407862.1); c.2556G>A, p.Lys852= (NM_001407863.1, NM_001407919.1, NM_001407937.1 and 19 more transcripts); c.2475G>A, p.Lys825= (NM_001407874.1, NM_001407875.1); and 41 more.
Identifiers: ClinVar variation 231698 (VCV000231698.17), dbSNP rs587781771, ClinGen allele CA10580606.

ClinVar aggregate classification (germline): Likely benign. Review status: reviewed by expert panel (3 of 4 stars). 4 submissions from 4 submitters: Likely benign (1). 3 of the submissions do not count toward it. Last evaluated 2017-06-29.

Conditions:
Hereditary breast ovarian cancer syndrome. Also called: Breast and ovarian cancer; Hereditary breast and ovarian cancer; Hereditary breast and ovarian cancer syndrome; Hereditary breast and/or ovarian cancer syndrome; BRCA1- and BRCA2-Associated Hereditary Breast and Ovarian Cancer; Hereditary breast and ovarian cancer syndrome (HBOC). Identifiers: Orphanet 145, MedGen C0677776, MeSH D061325, MONDO:0003582. Disease mechanism: loss of function.
Hereditary cancer-predisposing syndrome. Also called: Tumor predisposition; Hereditary Cancer Syndrome; Neoplastic Syndromes, Hereditary; Hereditary neoplastic syndrome. Identifiers: Orphanet 140162, MedGen C0027672, MeSH D009386, MONDO:0015356.
Breast-ovarian cancer, familial, susceptibility to, 1 (BROVCA1). Also called: BRCA1 Hereditary Breast and Ovarian Cancer; OVARIAN CANCER, SUSCEPTIBILITY TO. Identifiers: Orphanet 145, MedGen C2676676, MONDO:0011450, OMIM 604370. Disease mechanism: loss of function.

Allele frequency attached by ClinVar (database versions not stated): TOPMed 0.00001.
gnomAD v4.1: 1 of 1,613,896 alleles (0.000062%); highest among the groups gnomAD compares: Non-Finnish European, 0.000085%; no homozygotes.

Submissions (4):

Evidence-based Network for the Interpretation of Germline Mutant Alleles (ENIGMA)
Classification: Likely benign for Breast-ovarian cancer, familial, susceptibility to, 1. Last evaluated: 2017-06-29. Review status: reviewed by expert panel. Criteria: ENIGMA BRCA1/2 Classification Criteria (2017-06-29). Collection method: curation. Allele origin: germline.
Comment: Synonymous substitution variant, with low bioinformatic likelihood to result in a splicing aberration (Splicing prior probability 0.02).

Labcorp Genetics (formerly Invitae), Labcorp
Classification: Likely benign for Hereditary breast ovarian cancer syndrome. Last evaluated: 2025-09-23. Review status: criteria provided, single submitter. Criteria: Invitae Variant Classification Sherloc (09022015). Collection method: clinical testing. Allele origin: germline. Not counted in ClinVar's aggregate classification.

GeneDx
Classification: Likely benign. Last evaluated: 2017-04-10. Review status: criteria provided, single submitter. Criteria: GeneDx Variant Classification (06012015). Collection method: clinical testing. Allele origin: germline. Affected: yes. Not counted in ClinVar's aggregate classification.
Comment: This variant is considered likely benign or benign based on one or more of the following criteria: it is a conservative change, it occurs at a poorly conserved position in the protein, it is predicted to be benign by multiple in silico algorithms, and/or has population frequency not consistent with disease.

Ambry Genetics
Classification: Likely benign for Hereditary cancer-predisposing syndrome. Last evaluated: 2016-04-11. Review status: criteria provided, single submitter. Criteria: Ambry Variant Classification Scheme 2023. Collection method: clinical testing. Allele origin: germline. Not counted in ClinVar's aggregate classification.